The following is an entry in ClinVar:

NM_000257.4(MYH7):c.2308C>T (p.Leu770=)

Genes: MYH7 (myosin heavy chain 7; minus strand), LOC126861898 (BRD4-independent group 4 enhancer GRCh37_chr14:23893609-23894808; plus strand). Cytogenetic location: 14q11.2.
Variant type: single nucleotide variant.
Coding change: c.2308C>T on transcript NM_000257.4 (MANE Select); coding-DNA position 2308, C replaced by T.
Protein change: p.Leu770=; no amino-acid change (leucine 770 retained).
Molecular consequence: synonymous variant.
Genome position (GRCh38, 1-based): chr14:23,425,397, G>A on the plus strand (C>T on the coding strand, the complement: MYH7 is on the minus strand). VCF-style: chr14-23425397-G-A. GRCh37 (hg19) VCF-style: chr14-23894606-G-A.
Other names: c.2308C>T, p.Leu770= (NM_001407004.1).
Identifiers: ClinVar variation 3073210 (VCV003073210.1), dbSNP rs2502286222, ClinGen allele CA485622870.

ClinVar aggregate classification (germline): Likely benign (1 of 4 stars; one submission).

Conditions:
Cardiomyopathy (CMYO). Also called: Cardiomyopathies. Identifiers: Orphanet 167848, MedGen C0878544, MONDO:0004994, HP:0001638. Inheritance: Various modes of inheritance.

Submission:

All of Us Research Program, National Institutes of Health
Classification: Likely benign for Cardiomyopathy. Last evaluated: 2023-08-28. Review status: criteria provided, single submitter. Criteria: ACMG Guidelines, 2015. Collection method: clinical testing. Allele origin: germline. Inheritance: Autosomal dominant inheritance. Observed: 1 variant allele, 1 heterozygote.
Comment: This study involves interpretation of variants in research participants for the purpose of population health screening. Participant phenotype was not available at the time of variant classification. Additional details can be found in publication PMID: 35346344, PMCID: PMC8962531